The following is an entry in ClinVar:

NM_000341.4(SLC3A1):c.1993A>T (p.Arg665Ter)

Genes: PREPL (prolyl endopeptidase like; minus strand), SLC3A1 (solute carrier family 3 member 1; plus strand). Cytogenetic location: 2p21.
Variant type: single nucleotide variant.
Coding change: c.1993A>T on transcript NM_000341.4 (MANE Select); coding-DNA position 1993, A replaced by T.
Protein change: p.Arg665Ter; replaces arginine 665 with a stop codon.
Molecular consequence: nonsense. On other transcripts: 3 prime UTR variant (10).
Genome position (GRCh38, 1-based): chr2:44,320,574, A>T. VCF-style: chr2-44320574-A-T. GRCh37 (hg19) VCF-style: chr2-44547713-A-T.
Other names: c.*782T>A (NM_001042385.2, NM_001042386.2, NM_001171603.1 and 7 more transcripts); short protein forms R665*.
Identifiers: ClinVar variation 3586706 (VCV003586706.2).

ClinVar aggregate classification (germline): Pathogenic/Likely pathogenic. Review status: criteria provided, multiple submitters, no conflicts (2 of 4 stars). 2 submissions from 2 submitters: Pathogenic (1); Likely pathogenic (1). Last evaluated 2025-07-29.

Conditions:
Cystinuria (CSNU). Also called: CYSTINURIA, TYPE I; CYSTINURIA, TYPE II; CYSTINURIA, TYPE III; Cystinuria, non-type I. Identifiers: Orphanet 214, MedGen C0010691, MONDO:0009067, OMIM 220100, HP:0003131.

gnomAD v4.1: 1 of 1,613,984 alleles (0.000062%); highest among the groups gnomAD compares: African/African-American, 0.0013%; no homozygotes.

Submissions (2):

Labcorp Genetics (formerly Invitae), Labcorp
Classification: Pathogenic for Cystinuria. Last evaluated: 2025-07-29. Review status: criteria provided, single submitter. Criteria: Invitae Variant Classification Sherloc (09022015). Collection method: clinical testing. Allele origin: germline.
Comment: This sequence change creates a premature translational stop signal (p.Arg665*) in the SLC3A1 gene. While this is not anticipated to result in nonsense mediated decay, it is expected to disrupt the last 21 amino acid(s) of the SLC3A1 protein. This variant is not present in population databases (gnomAD no frequency). This variant has not been reported in the literature in individuals affected with SLC3A1-related conditions. ClinVar contains an entry for this variant (Variation ID: 3586706). This variant disrupts a region of the SLC3A1 protein in which other variant(s) (p.Cys673Cys) have been determined to be pathogenic (PMID: 10620184, 11260385). This suggests that this is a clinically significant region of the protein, and that variants that disrupt it are likely to be disease-causing. For these reasons, this variant has been classified as Pathogenic.

Fulgent Genetics
Classification: Likely pathogenic for Cystinuria. Last evaluated: 2024-01-23. Review status: criteria provided, single submitter. Criteria: ACMG Guidelines, 2015. Collection method: clinical testing. Allele origin: germline.

Literature cited by the submitters: PubMed 10620184 (cited by Labcorp Genetics (formerly Invitae), Labcorp); PubMed 11260385 (cited by Labcorp Genetics (formerly Invitae), Labcorp).